The following is an entry in ClinVar:

ClinVar aggregate classification (germline): Likely pathogenic (1 of 4 stars; one submission).

Conditions:
Dilated cardiomyopathy 1G (CMD1G). Identifiers: Orphanet 154, MedGen C1858763, MONDO:0011400, OMIM 604145.

Submission:

Institute of Immunology and Genetics Kaiserslautern
Classification: Likely pathogenic for Dilated cardiomyopathy 1G. Last evaluated: 2025-11-21. Review status: criteria provided, single submitter. Criteria: ACMG Guidelines, 2015. Collection method: clinical testing. Allele origin: germline. Affected: yes.
Comment: ACMG Criteria: PVS1, PM2; Variant was found in heterozygous state.

NM_001267550.2(TTN):c.4530_4534del (p.Gly1511fs)

Genes: TTN (titin; minus strand), LOC101927055 (uncharacterized LOC101927055; plus strand). Cytogenetic location: 2q31.2.
Variant type: Deletion.
Coding change: c.4530_4534del on transcript NM_001267550.2 (MANE Select); coding-DNA positions 4530 to 4534, 5 bases deleted (TGGTA; older notation c.4530_4534delTGGTA).
Protein change: p.Gly1511fs; shifts the reading frame from glycine 1511.
Molecular consequence: frameshift variant. On other transcripts: non-coding transcript variant (1).
Genome position (GRCh38, 1-based): chr2:178,777,531-178,777,535, TACCA deleted on the plus strand (TGGTA on the coding strand, the reverse complement: TTN is on the minus strand); deleting any 5 consecutive bases within chr2:178,777,531-178,777,536 gives the same sequence; the c. name uses the placement nearest the transcript's 3' end. VCF-style (leftmost placement, unchanged base first): chr2-178777530-GTACCA-G. GRCh37 (hg19) VCF-style: chr2-179642257-GTACCA-G.
Other names: c.4530_4534del, p.Gly1511fs (NM_001256850.1, NM_133378.4, NM_133379.5); c.4392_4396del, p.Gly1465fs (NM_003319.4, NM_133432.3, NM_133437.4); short protein forms G1465fs, G1511fs.
Identifiers: ClinVar variation 4851444 (VCV004851444.1).